The following is an entry in ClinVar:

NM_000135.4(FANCA):c.2316+6G>T

Gene: FANCA (FA complementation group A; minus strand). Cytogenetic location: 16q24.3.
Variant type: single nucleotide variant.
Coding change: c.2316+6G>T on transcript NM_000135.4 (MANE Select); 6 bases into the intron after coding-DNA position 2316, G replaced by T.
Molecular consequence: intron variant.
Genome position (GRCh38, 1-based): chr16:89,770,160, C>A on the plus strand (G>T on the coding strand, the complement: FANCA is on the minus strand). VCF-style: chr16-89770160-C-A. GRCh37 (hg19) VCF-style: chr16-89836568-C-A.
Other names: c.2316+6G>T (NM_001286167.3).
Identifiers: ClinVar variation 1692208 (VCV001692208.5), dbSNP rs1399631313, ClinGen allele CA624455009.
Genomic context (GRCh38, chr16:89,770,160, plus strand): 5'-TGAGAAGTAGCAGCCTGGCCCTCAGAGTGGGCCCCCAAGGGTGGCCCCCATGAAGGAGAG[C>A]CTCACCTGGTGACGGAGCAGCTGGCAGAGCCGGGTGAGCACTGCAGGGAGCACACGTCCA-3'

ClinVar aggregate classification (germline): Conflicting classifications of pathogenicity. Review status: criteria provided, conflicting classifications (1 of 4 stars). 4 submissions from 4 submitters: Uncertain significance (2); Likely benign (2). Last evaluated 2025-06-30.

Conditions:
FANCA-related disorder. Also called: FANCA-related condition.
Fanconi anemia (FA). Also called: Fanconi's anemia. Identifiers: Orphanet 84, MedGen C0015625, MeSH D005199, MONDO:0019391.

Allele frequency attached by ClinVar (database versions not stated): gnomAD exomes below 0.00001 and 0.00001; TOPMed below 0.00001.
gnomAD v4.1: 10 of 1,584,568 alleles (0.00063%); highest among the groups gnomAD compares: African/African-American, 0.004%; no homozygotes.

Submissions (4):

PreventionGenetics, part of Exact Sciences
Classification: Likely benign for FANCA-related condition. Last evaluated: 2025-06-30. Review status: criteria provided, single submitter. Criteria: ACMG Guidelines, 2015. Collection method: clinical testing. Allele origin: germline.
Comment: This variant is classified as likely benign based on ACMG/AMP sequence variant interpretation guidelines (Richards et al. 2015 PMID: 25741868, with internal and published modifications).

Blueprint Genetics
Classification: Likely benign. Last evaluated: 2024-04-05. Review status: criteria provided, single submitter. Criteria: ACMG Guidelines, 2015. Collection method: clinical testing. Allele origin: germline.

Labcorp Genetics (formerly Invitae), Labcorp
Classification: Uncertain significance for Fanconi anemia. Last evaluated: 2022-10-13. Review status: criteria provided, single submitter. Criteria: Invitae Variant Classification Sherloc (09022015). Collection method: clinical testing. Allele origin: germline.
Comment: This sequence change falls in intron 25 of the FANCA gene. It does not directly change the encoded amino acid sequence of the FANCA protein. It affects a nucleotide within the consensus splice site. The frequency data for this variant in the population databases is considered unreliable, as metrics indicate poor data quality at this position in the gnomAD database. This variant has not been reported in the literature in individuals affected with FANCA-related conditions. ClinVar contains an entry for this variant (Variation ID: 1692208). Variants that disrupt the consensus splice site are a relatively common cause of aberrant splicing (PMID: 17576681, 9536098). Algorithms developed to predict the effect of sequence changes on RNA splicing suggest that this variant is not likely to affect RNA splicing. In summary, the available evidence is currently insufficient to determine the role of this variant in disease. Therefore, it has been classified as a Variant of Uncertain Significance.

Sema4
Classification: Uncertain significance for Fanconi anemia. Last evaluated: 2021-10-13. Review status: criteria provided, single submitter. Criteria: Sema4 Curation Guidelines. Collection method: curation. Allele origin: germline.
Comment: The FANCA c.2316+6G>T variant has not been reported in literature to our knowledge. This variant was observed in 1/200402 chromosomes in the large and broad cohorts of the Genome Aggregation Database (PMID: 32461654). This variant has not been reported in ClinVar. In silico tools that predict the effect of sequence changes on splicing suggest that this variant may not impact splicing though these predictions have not been confirmed by functional studies. The overall evidence is insufficient to meet ACMG/AMP criteria for classifying it as benign or pathogenic. In summary, the clinical significance of this variant is currently uncertain.

Literature cited by the submitters: PubMed 17576681 (cited by Labcorp Genetics (formerly Invitae), Labcorp); PubMed 9536098 (cited by Labcorp Genetics (formerly Invitae), Labcorp).